The following is an entry in ClinVar:

ClinVar aggregate classification (germline): Uncertain significance (1 of 4 stars; one submission).

Conditions:
Intellectual disability, autosomal recessive 53 (NEDHSCA). Also called: Mental retardation, autosomal recessive 53; GLYCOSYLPHOSPHATIDYLINOSITOL BIOSYNTHESIS DEFECT 13; NEURODEVELOPMENTAL DISORDER WITH OR WITHOUT HYPOTONIA, SEIZURES, AND CEREBELLAR ATROPHY. Identifiers: Orphanet 488635, MedGen C4310794, MONDO:0014832, OMIM 616917.

Allele frequency attached by ClinVar (database versions not stated): ExAC 0.00001; gnomAD exomes 0.00001 and 0.00006; gnomAD 0.00002; TOPMed 0.00002; ESP Exome Variant Server 0.00008.
gnomAD v4.1: 88 of 1,613,396 alleles (0.0055%); highest among the groups gnomAD compares: Non-Finnish European, 0.0075%; no homozygotes.

Submission:

Labcorp Genetics (formerly Invitae), Labcorp
Classification: Uncertain significance for Intellectual disability, autosomal recessive 53. Last evaluated: 2022-04-11. Review status: criteria provided, single submitter. Criteria: Invitae Variant Classification Sherloc (09022015). Collection method: clinical testing. Allele origin: germline.
Comment: This sequence change replaces leucine, which is neutral and non-polar, with phenylalanine, which is neutral and non-polar, at codon 446 of the PIGG protein (p.Leu446Phe). This variant is present in population databases (rs144133870, gnomAD 0.003%). This variant has not been reported in the literature in individuals affected with PIGG-related conditions. Algorithms developed to predict the effect of missense changes on protein structure and function are either unavailable or do not agree on the potential impact of this missense change (SIFT: "Deleterious"; PolyPhen-2: "Benign"; Align-GVGD: "Class C0"). In summary, the available evidence is currently insufficient to determine the role of this variant in disease. Therefore, it has been classified as a Variant of Uncertain Significance.

NM_001127178.3(PIGG):c.1336C>T (p.Leu446Phe)

Gene: PIGG (phosphatidylinositol glycan anchor biosynthesis class G (EMM blood group); plus strand). Cytogenetic location: 4p16.3.
Variant type: single nucleotide variant.
Coding change: c.1336C>T on transcript NM_001127178.3 (MANE Select); coding-DNA position 1336, C replaced by T.
Protein change: p.Leu446Phe; replaces leucine 446 with phenylalanine.
Molecular consequence: missense variant. On other transcripts: synonymous variant (1), 5 prime UTR variant (2), non-coding transcript variant (10).
Genome position (GRCh38, 1-based): chr4:521,663, C>T. VCF-style: chr4-521663-C-T. GRCh37 (hg19) VCF-style: chr4-515452-C-T.
Other names: c.1069C>T, p.Leu357Phe (NM_001289051.2, NM_001289053.2, NM_001345986.2); c.937C>T, p.Leu313Phe (NM_001289052.2); c.924C>T, p.Phe308= (NM_001289055.2); c.851C>T, p.Ser284Phe (NM_001289057.2); c.1045C>T, p.Leu349Phe (NM_001345987.2); c.307C>T, p.Leu103Phe (NM_001345988.2); c.1336C>T, p.Leu446Phe (NM_001345989.2); c.-198C>T (NM_001345990.2, NM_001345991.2); and 2 more; short protein forms L357F, L446F, L313F, L349F, S284F, L80F, L103F, L438F.
Identifiers: ClinVar variation 1436111 (VCV001436111.5), dbSNP rs144133870, ClinGen allele CA2793290.